The following is an entry in ClinVar:

NM_001099274.3(TINF2):c.1027_1028del (p.Asn343fs)

Gene: TINF2 (TERF1 interacting nuclear factor 2; minus strand). Cytogenetic location: 14q12.
Variant type: Deletion.
Coding change: c.1027_1028del on transcript NM_001099274.3 (MANE Select); coding-DNA positions 1027 to 1028, 2 bases deleted (AA; older notation c.1027_1028delAA).
Protein change: p.Asn343fs; shifts the reading frame from asparagine 343.
Molecular consequence: frameshift variant.
Genome position (GRCh38, 1-based): chr14:24,240,452-24,240,453, TT deleted on the plus strand (AA on the coding strand, the reverse complement: TINF2 is on the minus strand). VCF-style (leftmost placement, unchanged base first): chr14-24240451-GTT-G. GRCh37 (hg19) VCF-style: chr14-24709657-GTT-G.
Other names: c.922_923del, p.Asn308fs (NM_001363668.2); c.1027_1028del, p.Asn343fs (NM_012461.3); short protein forms N308fs, N343fs.
Identifiers: ClinVar variation 2066739 (VCV002066739.4), dbSNP rs2502454193, ClinGen allele CA2580087957.

ClinVar aggregate classification (germline): Uncertain significance (1 of 4 stars; one submission).

Conditions:
Dyskeratosis congenita. Identifiers: Orphanet 1775, MedGen C0265965, MONDO:0015780.

Submission:

Labcorp Genetics (formerly Invitae), Labcorp
Classification: Uncertain significance for Dyskeratosis congenita. Last evaluated: 2024-01-22. Review status: criteria provided, single submitter. Criteria: Invitae Variant Classification Sherloc (09022015). Collection method: clinical testing. Allele origin: germline.
Comment: This sequence change creates a premature translational stop signal (p.Asn343Profs*3) in the TINF2 gene. It is expected to result in an absent or disrupted protein product. However, the current clinical and genetic evidence is not sufficient to establish whether loss-of-function variants in TINF2 cause disease. This variant is not present in population databases (gnomAD no frequency). This variant has not been reported in the literature in individuals affected with TINF2-related conditions. ClinVar contains an entry for this variant (Variation ID: 2066739). Experimental studies and prediction algorithms are not available or were not evaluated, and the functional significance of this variant is currently unknown. In summary, the available evidence is currently insufficient to determine the role of this variant in disease. Therefore, it has been classified as a Variant of Uncertain Significance.